The following is an entry in ClinVar:

NM_000453.3(SLC5A5):c.*215C>T

Gene: SLC5A5 (solute carrier family 5 member 5; plus strand). Cytogenetic location: 19p13.11.
Variant type: single nucleotide variant.
Coding change: c.*215C>T on transcript NM_000453.3 (MANE Select); 215 bases downstream of the stop codon, C replaced by T.
Molecular consequence: 3 prime UTR variant.
Genome position (GRCh38, 1-based): chr19:17,894,092, C>T. VCF-style: chr19-17894092-C-T. GRCh37 (hg19) VCF-style: chr19-18004901-C-T.
Identifiers: ClinVar variation 889252 (VCV000889252.4), dbSNP rs13344000, ClinGen allele CA306123037.

ClinVar aggregate classification (germline): Likely benign (1 of 4 stars; one submission).

Conditions:
Thyroid dyshormonogenesis 1. Also called: HYPOTHYROIDISM, CONGENITAL, DUE TO DYSHORMONOGENESIS, 1; IODINE ACCUMULATION, TRANSPORT, OR TRAPPING DEFECT; THYROID HORMONOGENESIS, GENETIC DEFECT IN, 1; Familial thyroid dyshormonogenesis 1. Identifiers: Orphanet 95716, MedGen C1848805, MONDO:0020716, OMIM 274400.

Allele frequency attached by ClinVar (database versions not stated): gnomAD 0.00373 and 0.00387; TOPMed 0.00387; 1000 Genomes Project 0.00459; 1000 Genomes Project 30x 0.00547.
gnomAD v4.1: 773 of 575,046 alleles (0.13%); highest among the groups gnomAD compares: African/African-American, 1.3%; 4 homozygotes.

Submission:

Illumina Laboratory Services, Illumina
Classification: Likely benign for Thyroid dyshormonogenesis 1. Last evaluated: 2017-04-27. Review status: criteria provided, single submitter. Criteria: ICSL Variant Classification Criteria 13 December 2019. Collection method: clinical testing. Allele origin: germline.
Comment: This variant was observed as part of a predisposition screen in an ostensibly healthy population. A literature search was performed for the gene, cDNA change, and amino acid change (where applicable). No publications were found based on this search. Allele frequency data from public databases allowed determination this variant is unlikely to cause disease. Therefore, this variant is classified as likely benign.